The following is an entry in ClinVar:

ClinVar aggregate classification (germline): Uncertain significance (1 of 4 stars; one submission).

Conditions:
Tinnitus with mild cognitive impairment (MCI).

Submission:

Meniere Disease Neuroscience Research Program, Faculty of Medicine and Health, Kolling Institute, The University of Sydney
Classification: Uncertain significance for Tinnitus with mild cognitive impairment (MCI). Last evaluated: 2020-09-01. Review status: criteria provided, single submitter. Criteria: ACMG Guidelines, 2015. Collection method: research. Allele origin: germline. Affected: yes.
Comment: The variant is predicted as a splice accepter variant in the PRKRA gene that has been found in 2 individuals of Non-Finnish European ancestry with tinnitus and associated mild cognitive decline. The variant is a short insertion of 50 bases which is rare and predicted to be high-confidence loss-of-function in gnomAD SNV v4.1. The variant is classified as a variant of uncertain significance (VUS), based on the ACMG/AM criteria (PP3_Supporting, BP4_Supporting, PM2_Moderate, PVS1_Supporting).

NM_003690.5(PRKRA):c.515-2_515-1insTAAGAGAGAATATACTACAATTTGCAGGCTAGAGTCATTTATGGAAACT

Gene: PRKRA (protein activator of interferon induced protein kinase EIF2AK2; minus strand). Cytogenetic location: 2q31.2.
Variant type: Insertion.
Coding change: c.515-2_515-1insTAAGAGAGAATATACTACAATTTGCAGGCTAGAGTCATTTATGGAAACT on transcript NM_003690.5 (MANE Select); the canonical splice acceptor site of the intron before coding-DNA position 515, TAAGAGAGAATATACTACAATTTGCAGGCTAGAGTCATTTATGGAAACT inserted.
Molecular consequence: splice acceptor variant.
Genome position: GRCh38: chr2:178,441,705-178,441,706. GRCh37 (hg19): chr2:179,306,432-179,306,433.
Other names: c.176-2_176-1insTAAGAGAGAATATACTACAATTTGCAGGCTAGAGTCATTTATGGAAACT (NM_001316362.2); c.482-2_482-1insTAAGAGAGAATATACTACAATTTGCAGGCTAGAGTCATTTATGGAAACT (NM_001139517.1); c.440-2_440-1insTAAGAGAGAATATACTACAATTTGCAGGCTAGAGTCATTTATGGAAACT (NM_001139518.1).
Identifiers: ClinVar variation 4845617 (VCV004845617.1).